The following is an entry in ClinVar:

NM_002382.5(MAX):c.299G>T (p.Arg100Leu)

Gene: MAX (MYC associated transcriptional regulator X; minus strand). Cytogenetic location: 14q23.3.
Variant type: single nucleotide variant.
Coding change: c.299G>T on transcript NM_002382.5 (MANE Select); coding-DNA position 299, G replaced by T.
Protein change: p.Arg100Leu; replaces arginine 100 with leucine.
Molecular consequence: missense variant. On other transcripts: 3 prime UTR variant (12), non-coding transcript variant (7), intron variant (2).
Genome position (GRCh38, 1-based): chr14:65,076,660, C>A on the plus strand (G>T on the coding strand, the complement: MAX is on the minus strand). VCF-style: chr14-65076660-C-A. GRCh37 (hg19) VCF-style: chr14-65543378-C-A.
Other names: c.272G>T, p.Arg91Leu (NM_145112.3, NM_001407095.1); c.*88G>T (NM_145113.3, NM_001407097.1, NM_001407100.1 and 4 more transcripts); c.144+17048G>T (NM_001271069.2); c.171+17048G>T (NM_197957.4); c.110G>T, p.Arg37Leu (NM_001320415.2, NM_001407105.1, NM_001407106.1 and 1 more transcripts); c.299G>T, p.Arg100Leu (NM_001407094.1); c.*72G>T (NM_001407096.1, NM_001407099.1, NM_001407102.1 and 2 more transcripts); c.191G>T, p.Arg64Leu (NM_001407098.1); and 1 more; short protein forms R64L, R37L, R91L, R100L, R33L.
Identifiers: ClinVar variation 5023929 (VCV005023929.1).
Genomic context (GRCh38, chr14:65,076,660, plus strand): 5'-TTGTCTGAGGAGGGGTAGTTGGTCTGCAGTTGGGCACTTGACCTCGCCTTCTCCAGTGCA[C>A]GGACTAAAAGGCAACCAAGGGAGTGTGTTACTGCCTTCTGGAGACTTGGGGAGTAACCGA-3'
Protein context (NP_002373.3, residues 90-110): RQNALLEQQV[Arg100Leu]ALEKARSSAQ

ClinVar aggregate classification (germline): Uncertain significance (1 of 4 stars; one submission).

Conditions:
Hereditary cancer-predisposing syndrome. Also called: Neoplastic Syndromes, Hereditary; Tumor predisposition; Hereditary neoplastic syndrome; Hereditary Cancer Syndrome. Identifiers: Orphanet 140162, MedGen C0027672, MeSH D009386, MONDO:0015356.

Submission:

Ambry Genetics
Classification: Uncertain significance for Hereditary cancer-predisposing syndrome. Last evaluated: 2026-07-07. Review status: criteria provided, single submitter. Criteria: Ambry Variant Classification Scheme 2023. Collection method: clinical testing. Allele origin: germline.
Comment: The p.R100L variant (also known as c.299G>T), located in coding exon 5 of the MAX gene, results from a G to T substitution at nucleotide position 299. The arginine at codon 100 is replaced by leucine, an amino acid with dissimilar properties. This amino acid position is conserved. In addition, this alteration is predicted to be deleterious by in silico analysis. Based on the available evidence, the clinical significance of this variant remains unclear.